The following is an entry in ClinVar:

ClinVar aggregate classification (germline): Likely benign (1 of 4 stars; one submission).

Allele frequency attached by ClinVar (database versions not stated): 1000 Genomes Project 0.00020; ExAC 0.00029; 1000 Genomes Project 30x 0.00031; ESP Exome Variant Server 0.00062; gnomAD 0.00092; TOPMed 0.00094.
gnomAD v4.1: 294 of 1,434,692 alleles (0.02%); highest among the groups gnomAD compares: African/African-American, 0.26%; no homozygotes.

Submission:

CeGaT Center for Human Genetics Tuebingen
Classification: Likely benign. Last evaluated: 2023-01-01. Review status: criteria provided, single submitter. Criteria: CeGaT Center For Human Genetics Tuebingen Variant Classification Criteria Version 2. Collection method: clinical testing. Allele origin: germline. Affected: yes. Observed: 1 variant allele.
Comment: SHOC1: BP4, BP7

NM_001378211.1(SHOC1):c.2980T>C (p.Leu994=)

Gene: SHOC1 (shortage in chiasmata 1; minus strand). Cytogenetic location: 9q31.3.
Variant type: single nucleotide variant.
Coding change: c.2980T>C on transcript NM_001378211.1 (MANE Select); coding-DNA position 2980, T replaced by C.
Protein change: p.Leu994=; no amino-acid change (leucine 994 retained).
Molecular consequence: synonymous variant. On other transcripts: non-coding transcript variant (1).
Genome position (GRCh38, 1-based): chr9:111,702,214, A>G on the plus strand (T>C on the coding strand, the complement: SHOC1 is on the minus strand). VCF-style: chr9-111702214-A-G. GRCh37 (hg19) VCF-style: chr9-114464494-A-G.
Other names: c.2671T>C, p.Leu891= (NM_001080551.3); c.2566T>C, p.Leu856= (NM_001378212.1); c.2788T>C, p.Leu930= (NM_173521.5).
Identifiers: ClinVar variation 2659429 (VCV002659429.24), dbSNP rs150633880, ClinGen allele CA5188337.